The following is an entry in ClinVar:

ClinVar aggregate classification (germline): Uncertain significance. Review status: criteria provided, multiple submitters, no conflicts (2 of 4 stars). 2 submissions from 2 submitters: Uncertain significance (2). Last evaluated 2025-10-02.

Conditions:
Inborn genetic diseases. Identifiers: MedGen C0950123, MeSH D030342.

Allele frequency attached by ClinVar (database versions not stated): gnomAD exomes 0.00001; ExAC 0.00002; gnomAD 0.00005; TOPMed 0.00012.
gnomAD v4.1: 25 of 1,613,924 alleles (0.0015%); highest among the groups gnomAD compares: Middle Eastern, 0.016%; no homozygotes.

Submissions (2):

Labcorp Genetics (formerly Invitae), Labcorp
Classification: Uncertain significance. Last evaluated: 2025-10-02. Review status: criteria provided, single submitter. Criteria: Invitae Variant Classification Sherloc (09022015). Collection method: clinical testing. Allele origin: germline.
Comment: This sequence change replaces arginine, which is basic and polar, with glutamine, which is neutral and polar, at codon 446 of the SLC16A1 protein (p.Arg446Gln). This variant is present in population databases (rs760585899, gnomAD 0.02%). This variant has not been reported in the literature in individuals affected with SLC16A1-related conditions. ClinVar contains an entry for this variant (Variation ID: 2182740). An algorithm developed to predict the effect of missense changes on protein structure and function outputs the following: PolyPhen-2: "Benign". The glutamine amino acid residue is found in multiple mammalian species, which suggests that this missense change does not adversely affect protein function. In summary, the available evidence is currently insufficient to determine the role of this variant in disease. Therefore, it has been classified as a Variant of Uncertain Significance.

Ambry Genetics
Classification: Uncertain significance for Inborn genetic diseases. Last evaluated: 2025-02-09. Review status: criteria provided, single submitter. Criteria: Ambry Variant Classification Scheme 2023. Collection method: clinical testing. Allele origin: germline.

NM_003051.4(SLC16A1):c.1337G>A (p.Arg446Gln)

Gene: SLC16A1 (solute carrier family 16 member 1; minus strand). Cytogenetic location: 1p13.2.
Variant type: single nucleotide variant.
Coding change: c.1337G>A on transcript NM_003051.4 (MANE Select); coding-DNA position 1337, G replaced by A.
Protein change: p.Arg446Gln; replaces arginine 446 with glutamine.
Molecular consequence: missense variant.
Genome position (GRCh38, 1-based): chr1:112,914,057, C>T on the plus strand (G>A on the coding strand, the complement: SLC16A1 is on the minus strand). VCF-style: chr1-112914057-C-T. GRCh37 (hg19) VCF-style: chr1-113456679-C-T.
Other names: c.1337G>A, p.Arg446Gln (NM_001166496.2); c.1337G>A (NM_003051.3); short protein forms R446Q.
Identifiers: ClinVar variation 2182740 (VCV002182740.5), dbSNP rs760585899, ClinGen allele CA1011259.
Genomic context (GRCh38, chr1:112,914,057, plus strand): 5'-GTCTCTTCCTCTTTACTTTCCTTTTTCTGCTCGTTTGCTTTCTGTTCTTTTGCCAAAAGT[C>T]GATAATTGATGCCCATGCCAATGAAGAGATAGATACCTGAAATAATTAGGACGACGCCAC-3'
Protein context (NP_003042.3, residues 436-456): YLFIGMGINY[Arg446Gln]LLAKEQKANE